The following is an entry in ClinVar:

NM_032217.5(ANKRD17):c.4974A>G (p.Thr1658=)

Gene: ANKRD17 (ankyrin repeat domain 17; minus strand). Cytogenetic location: 4q13.3.
Variant type: single nucleotide variant.
Coding change: c.4974A>G on transcript NM_032217.5 (MANE Select); coding-DNA position 4974, A replaced by G.
Protein change: p.Thr1658=; no amino-acid change (threonine 1658 retained).
Molecular consequence: synonymous variant.
Genome position (GRCh38, 1-based): chr4:73,098,120, T>C on the plus strand (A>G on the coding strand, the complement: ANKRD17 is on the minus strand). VCF-style: chr4-73098120-T-C. GRCh37 (hg19) VCF-style: chr4-73963837-T-C.
Other names: c.4635A>G, p.Thr1545= (NM_001286771.3); c.4971A>G, p.Thr1657= (NM_015574.2); c.4221A>G, p.Thr1407= (NM_198889.3).
Identifiers: ClinVar variation 2654816 (VCV002654816.24), dbSNP rs73827469, ClinGen allele CA2958248.

ClinVar aggregate classification (germline): Benign (1 of 4 stars; one submission).

Allele frequency attached by ClinVar (database versions not stated): ExAC 0.00120; gnomAD 0.00408; ESP Exome Variant Server 0.00431; 1000 Genomes Project 0.00559; 1000 Genomes Project 30x 0.00593.
gnomAD v4.1: 1,230 of 1,607,838 alleles (0.077%); highest among the groups gnomAD compares: African/African-American, 1.5%; 11 homozygotes.

Submission:

CeGaT Center for Human Genetics Tuebingen
Classification: Benign. Last evaluated: 2023-08-01. Review status: criteria provided, single submitter. Criteria: CeGaT Center For Human Genetics Tuebingen Variant Classification Criteria Version 2. Collection method: clinical testing. Allele origin: germline. Affected: yes. Observed: 1 variant allele.
Comment: ANKRD17: BP4, BP7, BS1, BS2